The following is an entry in ClinVar:

NM_015135.3(NUP205):c.2824-10G>A

Gene: NUP205 (nucleoporin 205; plus strand). Cytogenetic location: 7q33.
Variant type: single nucleotide variant.
Coding change: c.2824-10G>A on transcript NM_015135.3 (MANE Select); 10 bases into the intron before coding-DNA position 2824, G replaced by A.
Molecular consequence: intron variant.
Genome position (GRCh38, 1-based): chr7:135,606,135, G>A. VCF-style: chr7-135606135-G-A. GRCh37 (hg19) VCF-style: chr7-135290883-G-A.
Other names: c.2824-10G>A (NM_015135.2); c.1750-10G>A (NM_001329434.2).
Identifiers: ClinVar variation 1673119 (VCV001673119.10), dbSNP rs370441308, ClinGen allele CA4498435.

ClinVar aggregate classification (germline): Likely benign. Review status: criteria provided, single submitter (1 of 4 stars). 2 submissions from 2 submitters: Likely benign (1). 1 of the submissions does not count toward it. Last evaluated 2021-07-26.

Conditions:
NUP205-related disorder. Also called: NUP205-related condition.

Allele frequency attached by ClinVar (database versions not stated): gnomAD exomes below 0.00001 and 0.00001; ExAC 0.00002; TOPMed 0.00003; gnomAD 0.00005; ESP Exome Variant Server 0.00008.
gnomAD v4.1: 11 of 1,581,640 alleles (0.0007%); highest among the groups gnomAD compares: African/African-American, 0.013%; 1 homozygote.

Submissions (2):

Labcorp Genetics (formerly Invitae), Labcorp
Classification: Likely benign. Last evaluated: 2021-07-26. Review status: criteria provided, single submitter. Criteria: Invitae Variant Classification Sherloc (09022015). Collection method: clinical testing. Allele origin: germline.

PreventionGenetics, part of Exact Sciences
Classification: Likely benign for NUP205-related condition. Last evaluated: 2019-07-09. Review status: no assertion criteria provided. Collection method: clinical testing. Allele origin: germline. Not counted in ClinVar's aggregate classification.
Comment: This variant is classified as likely benign based on ACMG/AMP sequence variant interpretation guidelines (Richards et al. 2015 PMID: 25741868, with internal and published modifications).